The following is an entry in ClinVar:

NM_000363.5(TNNI3):c.283-10C>A

Gene: TNNI3 (troponin I3, cardiac type; minus strand). Cytogenetic location: 19q13.42.
Variant type: single nucleotide variant.
Coding change: c.283-10C>A on transcript NM_000363.5 (MANE Select); 10 bases into the intron before coding-DNA position 283, C replaced by A.
Molecular consequence: intron variant.
Genome position (GRCh38, 1-based): chr19:55,154,840, G>T on the plus strand (C>A on the coding strand, the complement: TNNI3 is on the minus strand). VCF-style: chr19-55154840-G-T. GRCh37 (hg19) VCF-style: chr19-55666208-G-T.
Identifiers: ClinVar variation 1171978 (VCV001171978.2), dbSNP rs1470947353, ClinGen allele CA2499225606.

ClinVar aggregate classification (germline): Uncertain significance (1 of 4 stars; one submission).

Conditions:
Cardiomyopathy (CMYO). Also called: Cardiomyopathies. Identifiers: Orphanet 167848, MedGen C0878544, MONDO:0004994, HP:0001638. Inheritance: Various modes of inheritance.

Submission:

Color Diagnostics, LLC DBA Color Health
Classification: Uncertain significance for Cardiomyopathy. Last evaluated: 2020-05-11. Review status: criteria provided, single submitter. Criteria: ACMG Guidelines, 2015. Collection method: clinical testing. Allele origin: germline.
Comment: This variant causes a C to A nucleotide substitution at the -10 position of intron 5 of the TNNI3 gene. Splice site prediction tools and conservation analysis are inconclusive regarding the impact of this variant on RNA splicing. To our knowledge, functional studies have not been reported for this variant. This variant has not been reported in individuals affected with cardiovascular disorders in the literature. This variant has not been identified in the general population by the Genome Aggregation Database (gnomAD). The available evidence is insufficient to determine the role of this variant in disease conclusively. Therefore, this variant is classified as a Variant of Uncertain Significance.